The following is an entry in ClinVar:

NM_000350.3(ABCA4):c.318T>G (p.Tyr106Ter)

Gene: ABCA4 (ATP binding cassette subfamily A member 4; minus strand). Cytogenetic location: 1p22.1.
Variant type: single nucleotide variant.
Coding change: c.318T>G on transcript NM_000350.3 (MANE Select); coding-DNA position 318, T replaced by G.
Protein change: p.Tyr106Ter; replaces tyrosine 106 with a stop codon.
Molecular consequence: nonsense.
Genome position (GRCh38, 1-based): chr1:94,108,701, A>C on the plus strand (T>G on the coding strand, the complement: ABCA4 is on the minus strand). VCF-style: chr1-94108701-A-C. GRCh37 (hg19) VCF-style: chr1-94574257-A-C.
Other names: c.318T>G, p.Tyr106Ter (NM_001425324.1); short protein forms Y106*.
Identifiers: ClinVar variation 2733949 (VCV002733949.3), dbSNP rs1662508844, ClinGen allele CA341293221.
Genomic context (GRCh38, chr1:94,108,701, plus strand): 5'-CCAAATACGGCCAAGGTGCTGGCTCTCTGGTGCATTCATGAGGAGTTCTTGAAAATCTCG[A>C]TATACCCTTGCCAAGCTGTAAGGACAAAGCCTCATTAATAAGGAAATAGCTGTTATTTTT-3'

ClinVar aggregate classification (germline): Pathogenic (1 of 4 stars; one submission).

Submission:

Labcorp Genetics (formerly Invitae), Labcorp
Classification: Pathogenic. Last evaluated: 2023-04-25. Review status: criteria provided, single submitter. Criteria: Invitae Variant Classification Sherloc (09022015). Collection method: clinical testing. Allele origin: germline.
Comment: This sequence change creates a premature translational stop signal (p.Tyr106*) in the ABCA4 gene. It is expected to result in an absent or disrupted protein product. Loss-of-function variants in ABCA4 are known to be pathogenic (PMID: 10958761, 24938718, 25312043, 26780318). For these reasons, this variant has been classified as Pathogenic. This premature translational stop signal has been observed in individual(s) with ABCA4-related conditions (PMID: 21911583). This variant is not present in population databases (gnomAD no frequency).

Literature cited by the submitters: PubMed 10958761; PubMed 24938718; PubMed 25312043; PubMed 26780318; PubMed 21911583.